The following is an entry in ClinVar:

ClinVar aggregate classification (germline): Uncertain significance. Review status: criteria provided, multiple submitters, no conflicts (2 of 4 stars). 2 submissions from 2 submitters: Uncertain significance (2). Last evaluated 2022-02-03.

Conditions:
Myopathy, proximal, and ophthalmoplegia (CMYO6). Also called: MYOPATHY WITH CONGENITAL JOINT CONTRACTURES, OPHTHALMOPLEGIA, AND RIMMED VACUOLES; INCLUSION BODY MYOPATHY 3, AUTOSOMAL DOMINANT; CONGENITAL MYOPATHY 6 WITH OPHTHALMOPLEGIA. Identifiers: Orphanet 363677, Orphanet 79091, MedGen C1854106, MONDO:0011577, OMIM 605637.

Allele frequency attached by ClinVar (database versions not stated): TOPMed below 0.00001.
gnomAD v4.1: 3 of 1,614,238 alleles (0.00019%); highest among the groups gnomAD compares: Non-Finnish European, 0.00017%; no homozygotes.

Submissions (2):

Labcorp Genetics (formerly Invitae), Labcorp
Classification: Uncertain significance for Myopathy, proximal, and ophthalmoplegia. Last evaluated: 2022-02-03. Review status: criteria provided, single submitter. Criteria: Invitae Variant Classification Sherloc (09022015). Collection method: clinical testing. Allele origin: germline.
Comment: Algorithms developed to predict the effect of missense changes on protein structure and function (SIFT, PolyPhen-2, Align-GVGD) all suggest that this variant is likely to be disruptive. In summary, the available evidence is currently insufficient to determine the role of this variant in disease. Therefore, it has been classified as a Variant of Uncertain Significance. Algorithms developed to predict the effect of sequence changes on RNA splicing suggest that this variant may create or strengthen a splice site. ClinVar contains an entry for this variant (Variation ID: 648656). This variant has not been reported in the literature in individuals affected with MYH2-related conditions. This variant is not present in population databases (gnomAD no frequency). This sequence change replaces asparagine, which is neutral and polar, with lysine, which is basic and polar, at codon 592 of the MYH2 protein (p.Asn592Lys).

Revvity Omics, Revvity
Classification: Uncertain significance for Myopathy, proximal, and ophthalmoplegia. Last evaluated: 2020-02-24. Review status: criteria provided, single submitter. Criteria: ACMG Guidelines, 2015. Collection method: clinical testing. Allele origin: germline.

NM_017534.6(MYH2):c.1776C>G (p.Asn592Lys)

Genes: MYH2 (myosin heavy chain 2; minus strand), MYHAS (myosin heavy chain gene cluster antisense RNA; plus strand). Cytogenetic location: 17p13.1.
Variant type: single nucleotide variant.
Coding change: c.1776C>G on transcript NM_017534.6 (MANE Select); coding-DNA position 1776, C replaced by G.
Protein change: p.Asn592Lys; replaces asparagine 592 with lysine.
Molecular consequence: missense variant.
Genome position (GRCh38, 1-based): chr17:10,537,354, G>C on the plus strand (C>G on the coding strand, the complement: MYH2 is on the minus strand). VCF-style: chr17-10537354-G-C. GRCh37 (hg19) VCF-style: chr17-10440671-G-C.
Other names: c.1776C>G, p.Asn592Lys (NM_001100112.2); short protein forms N592K.
Identifiers: ClinVar variation 648656 (VCV000648656.8), dbSNP rs763994556, ClinGen allele CA398155300.